The following is an entry in ClinVar:

ClinVar aggregate classification (germline): Likely benign (1 of 4 stars; one submission).

Submission:

CeGaT Center for Human Genetics Tuebingen
Classification: Likely benign. Last evaluated: 2025-01-01. Review status: criteria provided, single submitter. Criteria: CeGaT Center For Human Genetics Tuebingen Variant Classification Criteria Version 2. Collection method: clinical testing. Allele origin: germline. Affected: yes. Observed: 1 variant allele.
Comment: VWA1: BP4, BP7

NM_022834.5(VWA1):c.1080G>A (p.Ala360=)

Gene: VWA1 (von Willebrand factor A domain containing 1; plus strand). Cytogenetic location: 1p36.33.
Variant type: single nucleotide variant.
Coding change: c.1080G>A on transcript NM_022834.5 (MANE Select); coding-DNA position 1080, G replaced by A.
Protein change: p.Ala360=; no amino-acid change (alanine 360 retained).
Molecular consequence: synonymous variant. On other transcripts: 3 prime UTR variant (1).
Genome position (GRCh38, 1-based): chr1:1,439,529, G>A. VCF-style: chr1-1439529-G-A. GRCh37 (hg19) VCF-style: chr1-1374909-G-A.
Other names: c.*490G>A (NM_199121.3).
Identifiers: ClinVar variation 3770934 (VCV003770934.13).